The following is an entry in ClinVar:

ClinVar aggregate classification (germline): Likely pathogenic (1 of 4 stars; one submission).

Conditions:
Lymphoproliferative syndrome 2 (LPFS2). Also called: CD27 DEFICIENCY; Combined immunodeficiency due to CD27 deficiency. Identifiers: Orphanet 238505, MedGen C3554540, MONDO:0014054, OMIM 615122.

gnomAD v4.1: 3 of 1,614,048 alleles (0.00019%); highest among the groups gnomAD compares: Non-Finnish European, 0.00025%; no homozygotes.

Submission:

Dasa
Classification: Likely pathogenic for Lymphoproliferative syndrome 2. Last evaluated: 2025-10-10. Review status: criteria provided, single submitter. Criteria: DASA Assertion Criteria. Collection method: clinical testing. Allele origin: germline.
Comment: NM_001242.5(CD27):c.136+1G>A affects a canonical splice site and is predicted to disrupt normal RNA splicing. Loss of function is an established disease mechanism for CD27-associated disorders. Also, this variant is rare in population databases. Based on the currently available evidence, this variant is classified as likely pathogenic.

NM_001242.5(CD27):c.136+1G>A

Genes: CD27 (CD27 molecule; plus strand), CD27-AS1 (CD27 antisense RNA 1; minus strand). Cytogenetic location: 12p13.31.
Variant type: single nucleotide variant.
Coding change: c.136+1G>A on transcript NM_001242.5 (MANE Select); the canonical splice donor site of the intron after coding-DNA position 136, G replaced by A.
Molecular consequence: splice donor variant. On other transcripts: intron variant (3).
Genome position (GRCh38, 1-based): chr12:6,445,232, G>A. VCF-style: chr12-6445232-G-A. GRCh37 (hg19) VCF-style: chr12-6554398-G-A.
Other names: c.-402-192G>A (NM_001413267.1); c.-314-192G>A (NM_001413266.1, NM_001413268.1); c.136+1G>A (NM_001413263.1, NM_001413265.1, NM_001413264.1).
Identifiers: ClinVar variation 4883344 (VCV004883344.2).